The following is an entry in ClinVar:

ClinVar aggregate classification (germline): Benign (1 of 4 stars; one submission).

Conditions:
Leigh syndrome (NULS). Also called: Leigh's necrotizing encephalopathy; Leigh's disease; Leigh Syndrome (mtDNA deletion); Leigh Disease; Subacute necrotizing encephalopathy; Necrotizing encephalopathy infantile subacute of Leigh. Identifiers: Orphanet 506, MedGen C2931891, MONDO:0009723, OMIM 256000.

Submission:

Wong Mito Lab, Molecular and Human Genetics, Baylor College of Medicine
Classification: Benign for Leigh syndrome. Last evaluated: 2019-10-17. Review status: criteria provided, single submitter. Criteria: Modified ACMG Guidelines (Unpublished). Collection method: clinical testing. Allele origin: germline.
Comment: The NC_012920.1:m.9083T>C (YP_003024031.1:p.Leu186Pro) variant in MTATP6 gene is interpretated to be a Benign variant based on the modified ACMG guidelines (unpublished). This variant meets the following evidence codes: BS1, BS2, BP4

NC_012920.1(MT-ATP6):m.9083T>C

Gene: MT-ATP6 (mitochondrially encoded ATP synthase 6; plus strand).
Variant type: single nucleotide variant.
Genome position: chrM-9083-T-C.
Identifiers: ClinVar variation 693081 (VCV000693081.1), dbSNP rs1603222045, ClinGen allele CA414802159.